The following is an entry in ClinVar:

ClinVar aggregate classification (germline): Uncertain significance (1 of 4 stars; one submission).

Allele frequency attached by ClinVar (database versions not stated): gnomAD 0.00001; TOPMed 0.00003.
gnomAD v4.1: 10 of 1,611,978 alleles (0.00062%); highest among the groups gnomAD compares: African/African-American, 0.013%; no homozygotes.

Submission:

Labcorp Genetics (formerly Invitae), Labcorp
Classification: Uncertain significance. Last evaluated: 2021-05-01. Review status: criteria provided, single submitter. Criteria: Invitae Variant Classification Sherloc (09022015). Collection method: clinical testing. Allele origin: germline.
Comment: This variant has not been reported in the literature in individuals with CARMIL2-related conditions. This variant is not present in population databases (ExAC no frequency). This sequence change falls in intron 8 of the CARMIL2 gene. It does not directly change the encoded amino acid sequence of the CARMIL2 protein. Algorithms developed to predict the effect of sequence changes on RNA splicing suggest that this variant may create or strengthen a splice site, but this prediction has not been confirmed by published transcriptional studies. In summary, the available evidence is currently insufficient to determine the role of this variant in disease. Therefore, it has been classified as a Variant of Uncertain Significance.

NM_001013838.3(CARMIL2):c.611+18A>T

Gene: CARMIL2 (capping protein regulator and myosin 1 linker 2; plus strand). Cytogenetic location: 16q22.1.
Variant type: single nucleotide variant.
Coding change: c.611+18A>T on transcript NM_001013838.3 (MANE Select); 18 bases into the intron after coding-DNA position 611, A replaced by T.
Molecular consequence: intron variant.
Genome position (GRCh38, 1-based): chr16:67,646,991, A>T. VCF-style: chr16-67646991-A-T. GRCh37 (hg19) VCF-style: chr16-67680894-A-T.
Other names: c.611+18A>T (NM_001317026.3).
Identifiers: ClinVar variation 1479530 (VCV001479530.8), dbSNP rs890398238, ClinGen allele CA283201970.
Genomic context (GRCh38, chr16:67,646,991, plus strand): 5'-GCCGCCATTTCAGCCTGGGAGACTTCAGCCACCTCGGCAGTCGGTGTGTGGCCTGCCAGG[A>T]TGGGAGAGGAGGAAGATCCCGGGGCCCATATCCCTGGGCCTCAGTTTCTCCATGGAGGGG-3'